The following is an entry in ClinVar:

NM_007118.4(TRIO):c.7890A>G (p.Thr2630=)

Gene: TRIO (trio Rho guanine nucleotide exchange factor; plus strand). Cytogenetic location: 5p15.2.
Variant type: single nucleotide variant.
Coding change: c.7890A>G on transcript NM_007118.4 (MANE Select); coding-DNA position 7890, A replaced by G.
Protein change: p.Thr2630=; no amino-acid change (threonine 2630 retained).
Molecular consequence: synonymous variant. On other transcripts: non-coding transcript variant (1).
Genome position (GRCh38, 1-based): chr5:14,496,888, A>G. VCF-style: chr5-14496888-A-G. GRCh37 (hg19) VCF-style: chr5-14496997-A-G.
Identifiers: ClinVar variation 2655354 (VCV002655354.24), dbSNP rs1756930403, ClinGen allele CA443279113.

ClinVar aggregate classification (germline): Likely benign (1 of 4 stars; one submission).

Allele frequency attached by ClinVar (database versions not stated): gnomAD exomes below 0.00001; gnomAD 0.00001.
gnomAD v4.1: 2 of 1,614,036 alleles (0.00012%); highest among the groups gnomAD compares: African/African-American, 0.0013%; no homozygotes.

Submission:

CeGaT Center for Human Genetics Tuebingen
Classification: Likely benign. Last evaluated: 2023-03-01. Review status: criteria provided, single submitter. Criteria: CeGaT Center For Human Genetics Tuebingen Variant Classification Criteria Version 2. Collection method: clinical testing. Allele origin: germline. Affected: yes. Observed: 1 variant allele.
Comment: TRIO: BP4